The following is an entry in ClinVar:

ClinVar aggregate classification (germline): Benign/Likely benign. Review status: criteria provided, multiple submitters, no conflicts (2 of 4 stars). 13 submissions from 12 submitters: Benign (9); Likely benign (4). Last evaluated 2026-05-11.

Conditions:
Connective tissue disorder. Also called: Connective tissue disease. Identifiers: MedGen C0009782, MONDO:0003900.
Fibrochondrogenesis 1 (FBCG1). Identifiers: Orphanet 2021, MedGen C3278138, MONDO:0009226, OMIM 228520.
Stickler syndrome type 2 (STL2). Also called: COL11A1-Related Stickler Syndrome; STICKLER SYNDROME, BEADED VITREOUS TYPE; STICKLER SYNDROME, VITREOUS TYPE 2; STICKLER SYNDROME, TYPE II. Identifiers: Orphanet 828, Orphanet 90654, MedGen C1858084, MONDO:0011493, OMIM 604841.

Allele frequency attached by ClinVar (database versions not stated): 1000 Genomes Project 0.00260; 1000 Genomes Project 30x 0.00281; TOPMed 0.00834; ExAC 0.00852; gnomAD exomes 0.00859 and 0.01331; gnomAD 0.00862 and 0.00897; ESP Exome Variant Server 0.00946.
gnomAD v4.1: 20,560 of 1,612,188 alleles (1.3%); highest among the groups gnomAD compares: Non-Finnish European, 1.6%; 183 homozygotes.

Submissions (13):

Women's Health and Genetics/Laboratory Corporation of America, LabCorp
Classification: Likely benign. Last evaluated: 2026-05-11. Review status: criteria provided, single submitter. Criteria: LabCorp Variant Classification Summary - May 2015. Collection method: clinical testing. Allele origin: germline.

Labcorp Genetics (formerly Invitae), Labcorp
Classification: Benign. Last evaluated: 2026-02-03. Review status: criteria provided, single submitter. Criteria: Invitae Variant Classification Sherloc (09022015). Collection method: clinical testing. Allele origin: germline.

ARUP Laboratories, Molecular Genetics and Genomics, ARUP Laboratories
Classification: Benign. Last evaluated: 2025-04-28. Review status: criteria provided, single submitter. Criteria: ARUP Molecular Germline Variant Investigation Process 2024. Collection method: clinical testing. Allele origin: germline.

Blueprint Genetics
Classification: Likely benign. Last evaluated: 2024-11-21. Review status: criteria provided, single submitter. Criteria: ACMG Guidelines, 2015. Collection method: clinical testing. Allele origin: germline.

CeGaT Center for Human Genetics Tuebingen
Classification: Benign. Last evaluated: 2024-01-01. Review status: criteria provided, single submitter. Criteria: CeGaT Center For Human Genetics Tuebingen Variant Classification Criteria Version 2. Collection method: clinical testing. Allele origin: germline. Affected: yes. Observed: 10 variant alleles.
Comment: COL11A1: BS1, BS2

Genome Diagnostics Laboratory, The Hospital for Sick Children
Classification: Benign for Connective tissue disorder. Last evaluated: 2021-09-04. Review status: criteria provided, single submitter. Criteria: ACMG Guidelines, 2015. Collection method: clinical testing. Allele origin: germline.

Mayo Clinic Laboratories, Mayo Clinic
Classification: Benign. Last evaluated: 2020-12-07. Review status: criteria provided, single submitter. Criteria: ACMG Guidelines, 2015. Collection method: clinical testing. Allele origin: germline. Observed: 4 variant alleles.

Athena Diagnostics
Classification: Benign. Last evaluated: 2018-08-31. Review status: criteria provided, single submitter. Criteria: Athena Diagnostics Criteria. Collection method: clinical testing. Allele origin: germline.

Illumina Laboratory Services, Illumina
Classification: Benign for Fibrochondrogenesis 1. Last evaluated: 2018-01-13. Review status: criteria provided, single submitter. Criteria: ICSL Variant Classification Criteria 13 December 2019. Collection method: clinical testing. Allele origin: germline.
Comment: This variant was observed in the ICSL laboratory as part of a predisposition screen in an ostensibly healthy population. It had not been previously curated by ICSL or reported in the Human Gene Mutation Database (HGMD: prior to June 1st, 2018), and was therefore a candidate for classification through an automated scoring system. Utilizing variant allele frequency, disease prevalence and penetrance estimates, and inheritance mode, an automated score was calculated to assess if this variant is too frequent to cause the disease. Based on the score and internal cut-off values, a variant classified as benign is not then subjected to further curation. The score for this variant resulted in a classification of benign for this disease.

Illumina Laboratory Services, Illumina
Classification: Likely benign for Stickler syndrome type 2. Last evaluated: 2018-01-13. Review status: criteria provided, single submitter. Criteria: ICSL Variant Classification Criteria 13 December 2019. Collection method: clinical testing. Allele origin: germline.
Comment: This variant was observed in the ICSL laboratory as part of a predisposition screen in an ostensibly healthy population. It had not been previously curated by ICSL or reported in the Human Gene Mutation Database (HGMD: prior to June 1st, 2018), and was therefore a candidate for classification through an automated scoring system. Utilizing variant allele frequency, disease prevalence and penetrance estimates, and inheritance mode, an automated score was calculated to assess if this variant is too frequent to cause the disease. Based on the score and internal cut-off values, a variant classified as likely benign is not then subjected to further curation. The score for this variant resulted in a classification of likely benign for this disease.

GeneDx
Classification: Benign. Last evaluated: 2017-04-24. Review status: criteria provided, single submitter. Criteria: GeneDx Variant Classification (06012015). Collection method: clinical testing. Allele origin: germline. Affected: yes.
Comment: This variant is considered likely benign or benign based on one or more of the following criteria: it is a conservative change, it occurs at a poorly conserved position in the protein, it is predicted to be benign by multiple in silico algorithms, and/or has population frequency not consistent with disease.

Center for Pediatric Genomic Medicine, Children's Mercy Hospital and Clinics
Classification: Benign. Last evaluated: 2015-12-21. Review status: criteria provided, single submitter. Criteria: ACMG Guidelines, 2015. Collection method: clinical testing. Allele origin: germline.

Breakthrough Genomics
Classification: Likely benign. Review status: criteria provided, single submitter. Criteria: ACMG Guidelines, 2015. Collection method: not provided. Allele origin: germline. Inheritance: Autosomal recessive inheritance. Affected: yes.

NM_001854.4(COL11A1):c.4606C>G (p.Pro1536Ala)

Gene: COL11A1 (collagen type XI alpha 1 chain; minus strand). Cytogenetic location: 1p21.1.
Variant type: single nucleotide variant.
Coding change: c.4606C>G on transcript NM_001854.4 (MANE Select); coding-DNA position 4606, C replaced by G.
Protein change: p.Pro1536Ala; replaces proline 1536 with alanine.
Molecular consequence: missense variant. On other transcripts: non-coding transcript variant (1).
Genome position (GRCh38, 1-based): chr1:102,888,579, G>C on the plus strand (C>G on the coding strand, the complement: COL11A1 is on the minus strand). VCF-style: chr1-102888579-G-C. GRCh37 (hg19) VCF-style: chr1-103354135-G-C.
Other names: p.Pro1536Ala; c.4489C>G, p.Pro1497Ala (NM_001190709.2); c.4642C>G, p.Pro1548Ala (NM_080629.3); c.4258C>G, p.Pro1420Ala (NM_080630.4); short protein forms P1548A, P1536A, P1420A, P1497A.
Identifiers: ClinVar variation 235592 (VCV000235592.50), dbSNP rs139064549, ClinGen allele CA973470.